The following is an entry in ClinVar:

ClinVar aggregate classification (germline): Uncertain significance (1 of 4 stars; one submission).

Allele frequency attached by ClinVar (database versions not stated): gnomAD exomes below 0.00001.

Submission:

Labcorp Genetics (formerly Invitae), Labcorp
Classification: Uncertain significance. Last evaluated: 2022-05-07. Review status: criteria provided, single submitter. Criteria: Invitae Variant Classification Sherloc (09022015). Collection method: clinical testing. Allele origin: germline.
Comment: In summary, the available evidence is currently insufficient to determine the role of this variant in disease. Therefore, it has been classified as a Variant of Uncertain Significance. Algorithms developed to predict the effect of missense changes on protein structure and function are either unavailable or do not agree on the potential impact of this missense change (SIFT: "Deleterious"; PolyPhen-2: "Benign"; Align-GVGD: "Class C0"). This variant has not been reported in the literature in individuals affected with TOP2B-related conditions. This variant is not present in population databases (gnomAD no frequency). This sequence change replaces asparagine, which is neutral and polar, with histidine, which is basic and polar, at codon 525 of the TOP2B protein (p.Asn525His).

NM_001330700.2(TOP2B):c.1588A>C (p.Asn530His)

Gene: TOP2B (DNA topoisomerase II beta; minus strand). Cytogenetic location: 3p24.2.
Variant type: single nucleotide variant.
Coding change: c.1588A>C on transcript NM_001330700.2 (MANE Select); coding-DNA position 1588, A replaced by C.
Protein change: p.Asn530His; replaces asparagine 530 with histidine.
Molecular consequence: missense variant.
Genome position (GRCh38, 1-based): chr3:25,630,130, T>G on the plus strand (A>C on the coding strand, the complement: TOP2B is on the minus strand). VCF-style: chr3-25630130-T-G. GRCh37 (hg19) VCF-style: chr3-25671621-T-G.
Other names: c.1573A>C, p.Asn525His (NM_001068.3); short protein forms N525H, N530H.
Identifiers: ClinVar variation 2135206 (VCV002135206.4), dbSNP rs2470352932, ClinGen allele CA351908792.